The following is an entry in ClinVar:

ClinVar aggregate classification (germline): Uncertain significance. Review status: criteria provided, multiple submitters, no conflicts (2 of 4 stars). 2 submissions from 2 submitters: Uncertain significance (2). Last evaluated 2021-07-14.

Conditions:
Hereditary cancer-predisposing syndrome. Also called: Hereditary neoplastic syndrome; Hereditary Cancer Syndrome; Neoplastic Syndromes, Hereditary; Tumor predisposition. Identifiers: Orphanet 140162, MedGen C0027672, MeSH D009386, MONDO:0015356.
Fanconi anemia complementation group J. Also called: BRIP1-Related Fanconi Anemia. Identifiers: Orphanet 84, MedGen C1836860, MONDO:0012187, OMIM 609054.
Familial cancer of breast. Also called: Hereditary breast cancer; BREAST CANCER, FAMILIAL; hereditary breast carcinoma. Identifiers: Orphanet 227535, MedGen C0346153, MONDO:0016419, OMIM 114480. Disease mechanism: loss of function.

Submissions (2):

Labcorp Genetics (formerly Invitae), Labcorp
Classification: Uncertain significance for Familial cancer of breast; Fanconi anemia complementation group J. Last evaluated: 2021-07-14. Review status: criteria provided, single submitter. Criteria: Invitae Variant Classification Sherloc (09022015). Collection method: clinical testing. Allele origin: germline.
Comment: This sequence change replaces serine with asparagine at codon 990 of the BRIP1 protein (p.Ser990Asn). The serine residue is weakly conserved and there is a small physicochemical difference between serine and asparagine. This variant is not present in population databases (ExAC no frequency). This variant has not been reported in the literature in individuals affected with BRIP1-related conditions. Algorithms developed to predict the effect of missense changes on protein structure and function (SIFT, PolyPhen-2, Align-GVGD) all suggest that this variant is likely to be tolerated. In summary, the available evidence is currently insufficient to determine the role of this variant in disease. Therefore, it has been classified as a Variant of Uncertain Significance.

Ambry Genetics
Classification: Uncertain significance for Hereditary cancer-predisposing syndrome. Last evaluated: 2021-02-15. Review status: criteria provided, single submitter. Criteria: Ambry Variant Classification Scheme 2023. Collection method: clinical testing. Allele origin: germline.
Comment: The p.S990N variant (also known as c.2969G>A), located in coding exon 19 of the BRIP1 gene, results from a G to A substitution at nucleotide position 2969. The serine at codon 990 is replaced by asparagine, an amino acid with highly similar properties. This amino acid position is highly conserved in available vertebrate species. In addition, this alteration is predicted to be tolerated by in silico analysis. Since supporting evidence is limited at this time, the clinical significance of this alteration remains unclear.

NM_032043.3(BRIP1):c.2969G>A (p.Ser990Asn)

Gene: BRIP1 (BRCA1 interacting DNA helicase 1; minus strand). Cytogenetic location: 17q23.2.
Variant type: single nucleotide variant.
Coding change: c.2969G>A on transcript NM_032043.3 (MANE Select); coding-DNA position 2969, G replaced by A.
Protein change: p.Ser990Asn; replaces serine 990 with asparagine.
Molecular consequence: missense variant.
Genome position (GRCh38, 1-based): chr17:61,684,077, C>T on the plus strand (G>A on the coding strand, the complement: BRIP1 is on the minus strand). VCF-style: chr17-61684077-C-T. GRCh37 (hg19) VCF-style: chr17-59761438-C-T.
Other names: short protein forms S990N.
Identifiers: ClinVar variation 1367402 (VCV001367402.11), dbSNP rs2144092757, ClinGen allele CA400480642.
Genomic context (GRCh38, chr17:61,684,077, plus strand): 5'-TGTCCCAAAGAATTAAAGCTTGACCAGCTAACTCTCTTTGTTTGTTTGTTGAAAGTTGGG[C>T]TTGTGGATCTGGAAATCACAATTTTTTCTGCTTTCCCTGCTTCTTCCAGGAATACTGGAT-3'
Protein context (NP_114432.2, residues 980-1000): AEKIVISRST[Ser990Asn]PTFNKQTKRV